The following is an entry in ClinVar:

ClinVar aggregate classification (germline): Uncertain significance (1 of 4 stars; one submission).

Conditions:
Alagille syndrome due to a JAG1 point mutation. Also called: JAG1-Related Alagille Syndrome; HEPATIC DUCTULAR HYPOPLASIA, SYNDROMATIC; Alagille Syndrome 1. Identifiers: Orphanet 261619, Orphanet 52, MedGen C1956125, MONDO:0016862, OMIM 118450.

Allele frequency attached by ClinVar (database versions not stated): gnomAD exomes below 0.00001.
gnomAD v4.1: 2 of 1,613,592 alleles (0.00012%); highest among the groups gnomAD compares: Non-Finnish European, 0.00017%; no homozygotes.

Submission:

Labcorp Genetics (formerly Invitae), Labcorp
Classification: Uncertain significance for Alagille syndrome due to a JAG1 point mutation. Last evaluated: 2023-01-16. Review status: criteria provided, single submitter. Criteria: Invitae Variant Classification Sherloc (09022015). Collection method: clinical testing. Allele origin: germline.
Comment: In summary, the available evidence is currently insufficient to determine the role of this variant in disease. Therefore, it has been classified as a Variant of Uncertain Significance. This variant is not present in population databases (gnomAD no frequency). This variant has not been reported in the literature in individuals affected with JAG1-related conditions. Advanced modeling of protein sequence and biophysical properties (such as structural, functional, and spatial information, amino acid conservation, physicochemical variation, residue mobility, and thermodynamic stability) performed at Invitae indicates that this missense variant is expected to disrupt JAG1 protein function. This sequence change replaces serine, which is neutral and polar, with cysteine, which is neutral and slightly polar, at codon 342 of the JAG1 protein (p.Ser342Cys).

NM_000214.3(JAG1):c.1025C>G (p.Ser342Cys)

Gene: JAG1 (jagged canonical Notch ligand 1; minus strand). Cytogenetic location: 20p12.2.
Variant type: single nucleotide variant.
Coding change: c.1025C>G on transcript NM_000214.3 (MANE Select); coding-DNA position 1025, C replaced by G.
Protein change: p.Ser342Cys; replaces serine 342 with cysteine.
Molecular consequence: missense variant.
Genome position (GRCh38, 1-based): chr20:10,651,676, G>C on the plus strand (C>G on the coding strand, the complement: JAG1 is on the minus strand). VCF-style: chr20-10651676-G-C. GRCh37 (hg19) VCF-style: chr20-10632324-G-C.
Other names: short protein forms S342C.
Identifiers: ClinVar variation 2826416 (VCV002826416.3), dbSNP rs2514520790, ClinGen allele CA408238845.